The following is an entry in ClinVar:

NM_007118.4(TRIO):c.3127G>A (p.Gly1043Arg)

Gene: TRIO (trio Rho guanine nucleotide exchange factor; plus strand). Cytogenetic location: 5p15.2.
Variant type: single nucleotide variant.
Coding change: c.3127G>A on transcript NM_007118.4 (MANE Select); coding-DNA position 3127, G replaced by A.
Protein change: p.Gly1043Arg; replaces glycine 1043 with arginine.
Molecular consequence: missense variant. On other transcripts: non-coding transcript variant (1).
Genome position (GRCh38, 1-based): chr5:14,369,434, G>A. VCF-style: chr5-14369434-G-A. GRCh37 (hg19) VCF-style: chr5-14369543-G-A.
Other names: short protein forms G1043R.
Identifiers: ClinVar variation 1193521 (VCV001193521.2), dbSNP rs762100141, ClinGen allele CA3206096.

ClinVar aggregate classification (germline): Uncertain significance (1 of 4 stars; one submission).

Allele frequency attached by ClinVar (database versions not stated): gnomAD exomes below 0.00001; ExAC 0.00001.
gnomAD v4.1: 4 of 1,614,110 alleles (0.00025%); highest among the groups gnomAD compares: Admixed American, 0.0017%; no homozygotes.

Submission:

GeneDx
Classification: Uncertain significance. Last evaluated: 2020-10-27. Review status: criteria provided, single submitter. Criteria: GeneDx Variant Classification Process June 2021. Collection method: clinical testing. Allele origin: germline. Affected: yes.
Comment: In silico analysis, which includes protein predictors and evolutionary conservation, supports a deleterious effect; Has not been previously published as pathogenic or benign to our knowledge